The following is an entry in ClinVar:

ClinVar aggregate classification (germline): Uncertain significance (1 of 4 stars; one submission).

Submission:

Ambry Genetics
Classification: Uncertain significance. Last evaluated: 2023-03-22. Review status: criteria provided, single submitter. Criteria: Ambry Variant Classification Scheme 2023. Collection method: clinical testing. Allele origin: germline.
Comment: The p.S603N variant (also known as c.1808G>A), located in coding exon 13 of the NPAT gene, results from a G to A substitution at nucleotide position 1808. The serine at codon 603 is replaced by asparagine, an amino acid with highly similar properties. This amino acid position is conserved. In addition, this alteration is predicted to be tolerated by in silico analysis. Since supporting evidence is limited at this time, the clinical significance of this alteration remains unclear.

NM_002519.3(NPAT):c.1808G>A (p.Ser603Asn)

Gene: NPAT (nuclear protein, coactivator of histone transcription; minus strand). Cytogenetic location: 11q22.3.
Variant type: single nucleotide variant.
Coding change: c.1808G>A on transcript NM_002519.3 (MANE Select); coding-DNA position 1808, G replaced by A.
Protein change: p.Ser603Asn; replaces serine 603 with asparagine.
Molecular consequence: missense variant.
Genome position (GRCh38, 1-based): chr11:108,173,176, C>T on the plus strand (G>A on the coding strand, the complement: NPAT is on the minus strand). VCF-style: chr11-108173176-C-T. GRCh37 (hg19) VCF-style: chr11-108043903-C-T.
Other names: c.1808G>A, p.Ser603Asn (NM_001321307.1); short protein forms S603N.
Identifiers: ClinVar variation 2567956 (VCV002567956.2), dbSNP rs2496719878, ClinGen allele CA382514307.
Genomic context (GRCh38, chr11:108,173,176, plus strand): 5'-ATTTCTACTTGTCCAGATACATTTAAATGTGAACTTTCAACAGACACAGGTAGTATTTCA[C>T]TTTGAAGACAAGAATTATCTTGGCAATTTGATAGCTGTGACATAACTGGTTCTAACACAT-3'
Protein context (NP_002510.2, residues 593-613): SNCQDNSCLQ[Ser603Asn]EILPVSVESS